The following is an entry in ClinVar:

NM_000209.4(PDX1):c.641C>T (p.Ala214Val)

Gene: PDX1 (pancreatic and duodenal homeobox 1; plus strand). Cytogenetic location: 13q12.2.
Variant type: single nucleotide variant.
Coding change: c.641C>T on transcript NM_000209.4 (MANE Select); coding-DNA position 641, C replaced by T.
Protein change: p.Ala214Val; replaces alanine 214 with valine.
Molecular consequence: missense variant.
Genome position (GRCh38, 1-based): chr13:27,924,490, C>T. VCF-style: chr13-27924490-C-T. GRCh37 (hg19) VCF-style: chr13-28498627-C-T.
Other names: short protein forms A214V.
Identifiers: ClinVar variation 2628424 (VCV002628424.2), dbSNP rs1170060236, ClinGen allele CA387646209.
Genomic context (GRCh38, chr13:27,924,490, plus strand): 5'-TCCAAAACCGCCGCATGAAGTGGAAAAAGGAGGAGGACAAGAAGCGCGGCGGCGGGACAG[C>T]TGTCGGGGGTGGCGGGGTCGCGGAGCCTGAGCAGGACTGCGCCGTGACCTCCGGCGAGGA-3'
Protein context (NP_000200.1, residues 204-224): EEDKKRGGGT[Ala214Val]VGGGGVAEPE

ClinVar aggregate classification (germline): Uncertain significance (0 of 4 stars; one submission).

Conditions:
PDX1-related disorder. Also called: PDX1-related condition; PDX1-related disorders.

Allele frequency attached by ClinVar (database versions not stated): gnomAD exomes below 0.00001.
gnomAD v4.1: 6 of 1,612,438 alleles (0.00037%); highest among the groups gnomAD compares: Non-Finnish European, 0.00051%; no homozygotes.

Submission:

PreventionGenetics, part of Exact Sciences
Classification: Uncertain significance for PDX1-related condition. Last evaluated: 2024-03-25. Review status: no assertion criteria provided. Collection method: clinical testing. Allele origin: germline.
Comment: The PDX1 c.641C>T variant is predicted to result in the amino acid substitution p.Ala214Val. To our knowledge, this variant has not been reported in the literature. This variant is reported in 0.00089% of alleles in individuals of European (Non-Finnish) descent in gnomAD. At this time, the clinical significance of this variant is uncertain due to the absence of conclusive functional and genetic evidence.